The following is an entry in ClinVar:

ClinVar aggregate classification (germline): Likely benign. Review status: criteria provided, multiple submitters, no conflicts (2 of 4 stars). 4 submissions from 4 submitters: Likely benign (4). Last evaluated 2026-01-06.

Conditions:
Hereditary cancer-predisposing syndrome. Also called: Hereditary neoplastic syndrome; Hereditary Cancer Syndrome; Neoplastic Syndromes, Hereditary; Tumor predisposition. Identifiers: Orphanet 140162, MedGen C0027672, MeSH D009386, MONDO:0015356.
Retinoblastoma (RB1). Also called: RETINOBLASTOMA, SOMATIC. Identifiers: Orphanet 790, MedGen C0035335, MeSH D012175, MONDO:0008380, OMIM 180200, HP:0009919. Disease mechanism: loss of function. Inheritance: Both sporadic and heritable forms are tested..

Allele frequency attached by ClinVar (database versions not stated): gnomAD exomes below 0.00001; TOPMed below 0.00001.
gnomAD v4.1: 2 of 1,498,998 alleles (0.00013%); highest among the groups gnomAD compares: Non-Finnish European, 0.00018%; no homozygotes.

Submissions (4):

Labcorp Genetics (formerly Invitae), Labcorp
Classification: Likely benign for Retinoblastoma. Last evaluated: 2026-01-06. Review status: criteria provided, single submitter. Criteria: Invitae Variant Classification Sherloc (09022015). Collection method: clinical testing. Allele origin: germline.

All of Us Research Program, National Institutes of Health
Classification: Likely benign for Retinoblastoma. Last evaluated: 2024-07-20. Review status: criteria provided, single submitter. Criteria: ACMG Guidelines, 2015. Collection method: clinical testing. Allele origin: germline. Inheritance: Autosomal dominant inheritance. Observed: 3 variant alleles, 3 heterozygotes.
Comment: This study involves interpretation of variants in research participants for the purpose of population health screening. Participant phenotype was not available at the time of variant classification. Additional details can be found in publication PMID: 35346344, PMCID: PMC8962531

CeGaT Center for Human Genetics Tuebingen
Classification: Likely benign. Last evaluated: 2021-03-01. Review status: criteria provided, single submitter. Criteria: CeGaT Center For Human Genetics Tuebingen Variant Classification Criteria Version 2. Collection method: clinical testing. Allele origin: germline. Affected: yes. Observed: 1 variant allele.

Ambry Genetics
Classification: Likely benign for Hereditary cancer-predisposing syndrome. Last evaluated: 2021-01-07. Review status: criteria provided, single submitter. Criteria: Ambry Variant Classification Scheme 2023. Collection method: clinical testing. Allele origin: germline.

NM_000321.3(RB1):c.72G>C (p.Pro24=)

Gene: RB1 (RB transcriptional corepressor 1; plus strand). Cytogenetic location: 13q14.2.
Variant type: single nucleotide variant.
Coding change: c.72G>C on transcript NM_000321.3 (MANE Select); coding-DNA position 72, G replaced by C.
Protein change: p.Pro24=; no amino-acid change (proline 24 retained).
Molecular consequence: synonymous variant.
Genome position (GRCh38, 1-based): chr13:48,303,984, G>C. VCF-style: chr13-48303984-G-C. GRCh37 (hg19) VCF-style: chr13-48878120-G-C.
Identifiers: ClinVar variation 1175848 (VCV001175848.42), dbSNP rs1333596916, ClinGen allele CA483711619.
Genomic context (GRCh38, chr13:48,303,984, plus strand): 5'-AACCCCCCGAAAAACGGCCGCCACCGCCGCCGCTGCCGCCGCGGAACCCCCGGCACCGCC[G>C]CCGCCGCCCCCTCCTGAGGAGGACCCAGAGCAGGACAGCGGCCCGGAGGACCTGCCTCTC-3'
Protein context (NP_000312.2, residues 14-34): AAAAAEPPAP[Pro24=]PPPPPEEDPE